The following is an entry in ClinVar:

ClinVar aggregate classification (germline): Uncertain significance (1 of 4 stars; one submission).

Conditions:
Neuropathy, hereditary sensory and autonomic, type 2A (HSAN2A). Also called: ACROOSTEOLYSIS, GIACCAI TYPE; ACROOSTEOLYSIS, NEUROGENIC; MORVAN DISEASE; NEUROPATHY, CONGENITAL SENSORY; NEUROPATHY, HEREDITARY SENSORY RADICULAR, AUTOSOMAL RECESSIVE; NEUROPATHY, HEREDITARY SENSORY, TYPE IIA. Identifiers: Orphanet 970, MedGen C2752089, MONDO:0024309, OMIM 201300.
Pseudohypoaldosteronism type 2C (PHA2C). Also called: Pseudohypoaldosteronism Type IIC. Identifiers: Orphanet 757, Orphanet 88940, MedGen C1840391, MONDO:0013778, OMIM 614492.

Allele frequency attached by ClinVar (database versions not stated): TOPMed below 0.00001; ESP Exome Variant Server 0.00008.
gnomAD v4.1: 3 of 1,609,392 alleles (0.00019%); highest among the groups gnomAD compares: Non-Finnish European, 0.00025%; no homozygotes.

Submission:

Labcorp Genetics (formerly Invitae), Labcorp
Classification: Uncertain significance for Neuropathy, hereditary sensory and autonomic, type 2A; Pseudohypoaldosteronism type 2C. Last evaluated: 2022-09-28. Review status: criteria provided, single submitter. Criteria: Invitae Variant Classification Sherloc (09022015). Collection method: clinical testing. Allele origin: germline.
Comment: In summary, the available evidence is currently insufficient to determine the role of this variant in disease. Therefore, it has been classified as a Variant of Uncertain Significance. Algorithms developed to predict the effect of missense changes on protein structure and function are either unavailable or do not agree on the potential impact of this missense change (SIFT: "Deleterious"; PolyPhen-2: "Not Available"; Align-GVGD: "Class C45"). This variant has not been reported in the literature in individuals affected with WNK1-related conditions. This variant is present in population databases (rs146034789, gnomAD 0.001%). This sequence change replaces asparagine, which is neutral and polar, with serine, which is neutral and polar, at codon 1376 of the WNK1 protein (p.Asn1376Ser).

NM_018979.4(WNK1):c.3371A>G (p.Asn1124Ser)

Gene: WNK1 (WNK lysine deficient protein kinase 1; plus strand). Cytogenetic location: 12p13.33.
Variant type: single nucleotide variant.
Coding change: c.3371A>G on transcript NM_018979.4 (MANE Select); coding-DNA position 3371, A replaced by G.
Protein change: p.Asn1124Ser; replaces asparagine 1124 with serine.
Molecular consequence: missense variant.
Genome position (GRCh38, 1-based): chr12:882,072, A>G. VCF-style: chr12-882072-A-G. GRCh37 (hg19) VCF-style: chr12-991238-A-G.
Other names: c.4151A>G, p.Asn1384Ser (NM_001184985.2); c.2630A>G, p.Asn877Ser (NM_014823.3); c.4127A>G, p.Asn1376Ser (NM_213655.5); short protein forms N1124S, N1384S, N877S, N1376S.
Identifiers: ClinVar variation 2057574 (VCV002057574.4), dbSNP rs146034789, ClinGen allele CA6382749.